The following is an entry in ClinVar:

ClinVar aggregate classification (germline): Pathogenic (1 of 4 stars; one submission).

Conditions:
Muscular dystrophy-dystroglycanopathy type B6 (MDDGB6). Also called: MUSCULAR DYSTROPHY, CONGENITAL, LARGE-RELATED; MUSCULAR DYSTROPHY, CONGENITAL, TYPE 1D; MUSCULAR DYSTROPHY-DYSTROGLYCANOPATHY (CONGENITAL WITH IMPAIRED INTELLECTUAL DEVELOPMENT), TYPE B, 6. Identifiers: MedGen C1837229, MONDO:0012138, OMIM 608840.

Submission:

Labcorp Genetics (formerly Invitae), Labcorp
Classification: Pathogenic for Congenital muscular dystrophy-dystroglycanopathy with mental retardation, type B6. Last evaluated: 2018-05-24. Review status: criteria provided, single submitter. Criteria: Invitae Variant Classification Sherloc (09022015). Collection method: clinical testing. Allele origin: germline.
Comment: This variant is a gross deletion of the genomic region encompassing exons 3-5 of the LARGE11 gene, which includes the initiator codon. The 5' end of this event is unknown as it extends beyond the assayed region for this gene and therefore may encompass additional genes. The 3' boundary is likely confined to intron 5 of the LARGE11 gene. This is expected to result in an absent or disrupted protein product. This variant has not been reported in the literature in individuals with LARGE11-related disease. Loss-of-function variants in LARGE11 are known to be pathogenic (PMID: 12966029, 17878207). For these reasons, this variant has been classified as Pathogenic.

NC_000022.10:g.(?_34022208)_(34157483_?)del

Gene: LARGE1 (LARGE xylosyl- and glucuronyltransferase 1; minus strand). Cytogenetic location: 22q12.3.
Variant type: Deletion.
Identifiers: ClinVar variation 584360 (VCV000584360.1).